The following is an entry in ClinVar:

NM_004172.5(SLC1A3):c.1144G>A (p.Val382Met)

Genes: SLC1A3 (solute carrier family 1 member 3; plus strand), SLC1A3-AS1 (SLC1A3 antisense RNA 1; minus strand). Cytogenetic location: 5p13.2.
Variant type: single nucleotide variant.
Coding change: c.1144G>A on transcript NM_004172.5 (MANE Select); coding-DNA position 1144, G replaced by A.
Protein change: p.Val382Met; replaces valine 382 with methionine.
Molecular consequence: missense variant.
Genome position (GRCh38, 1-based): chr5:36,680,444, G>A. VCF-style: chr5-36680444-G-A. GRCh37 (hg19) VCF-style: chr5-36680546-G-A.
Other names: c.1144G>A, p.Val382Met (NM_001166695.3); c.1006G>A, p.Val336Met (NM_001289939.2); c.808G>A, p.Val270Met (NM_001289940.2); short protein forms V270M, V336M, V382M.
Identifiers: ClinVar variation 1256120 (VCV001256120.9), dbSNP rs199787096, ClinGen allele CA3235615.

ClinVar aggregate classification (germline): Uncertain significance. Review status: criteria provided, multiple submitters, no conflicts (2 of 4 stars). 3 submissions from 3 submitters: Uncertain significance (3). Last evaluated 2025-09-23.

Conditions:
Episodic ataxia type 6. Identifiers: Orphanet 209967, MedGen C2675211, MONDO:0012982, OMIM 612656.

Allele frequency attached by ClinVar (database versions not stated): gnomAD 0.00005 and 0.00008; gnomAD exomes 0.00005; TOPMed 0.00006; ExAC 0.00007; ESP Exome Variant Server 0.00015; 1000 Genomes Project 30x 0.00016; 1000 Genomes Project 0.00020.
gnomAD v4.1: 142 of 1,614,190 alleles (0.0088%); highest among the groups gnomAD compares: Middle Eastern, 0.016%; no homozygotes.

Submissions (3):

Labcorp Genetics (formerly Invitae), Labcorp
Classification: Uncertain significance. Last evaluated: 2025-09-23. Review status: criteria provided, single submitter. Criteria: Invitae Variant Classification Sherloc (09022015). Collection method: clinical testing. Allele origin: germline.
Comment: This sequence change replaces valine, which is neutral and non-polar, with methionine, which is neutral and non-polar, at codon 382 of the SLC1A3 protein (p.Val382Met). This variant is present in population databases (rs199787096, gnomAD 0.01%). This missense change has been observed in individual(s) with clinical features of SLC1A3-related conditions (PMID: 28472652, 30257206). ClinVar contains an entry for this variant (Variation ID: 1256120). Invitae Evidence Modeling of protein sequence and biophysical properties (such as structural, functional, and spatial information, amino acid conservation, physicochemical variation, residue mobility, and thermodynamic stability) indicates that this missense variant is not expected to disrupt SLC1A3 protein function with a negative predictive value of 80%. In summary, the available evidence is currently insufficient to determine the role of this variant in disease. Therefore, it has been classified as a Variant of Uncertain Significance.

Athena Diagnostics
Classification: Uncertain significance. Last evaluated: 2023-08-09. Review status: criteria provided, single submitter. Criteria: Athena Diagnostics Criteria. Collection method: clinical testing. Allele origin: unknown.
Comment: Available data are insufficient to determine the clinical significance of the variant at this time. The frequency of this variant in the general population is higher than would generally be expected for pathogenic variants in this gene. Computational tools predict that this variant is damaging.

Revvity Omics, Revvity
Classification: Uncertain significance for Episodic ataxia type 6. Last evaluated: 2019-09-06. Review status: criteria provided, single submitter. Criteria: ACMG Guidelines, 2015. Collection method: clinical testing. Allele origin: germline.

Literature cited by the submitters: PubMed 28472652 (cited by Labcorp Genetics (formerly Invitae), Labcorp and Athena Diagnostics); PubMed 30257206 (cited by Labcorp Genetics (formerly Invitae), Labcorp and Athena Diagnostics); PubMed 29208948 (cited by Athena Diagnostics).